The following is an entry in ClinVar:

ClinVar aggregate classification (germline): Pathogenic (1 of 4 stars; one submission).

Conditions:
Hereditary cancer-predisposing syndrome. Also called: Tumor predisposition; Hereditary neoplastic syndrome; Neoplastic Syndromes, Hereditary; Hereditary Cancer Syndrome. Identifiers: Orphanet 140162, MedGen C0027672, MeSH D009386, MONDO:0015356.

Submission:

Ambry Genetics
Classification: Pathogenic for Hereditary cancer-predisposing syndrome. Last evaluated: 2018-04-17. Review status: criteria provided, single submitter. Criteria: Ambry Variant Classification Scheme 2023. Collection method: clinical testing. Allele origin: germline.
Comment: The c.1154_1155dupCG pathogenic mutation, located in coding exon 7 of the MEN1 gene, results from a duplication of CG at nucleotide position 1154, causing a translational frameshift with a predicted alternate stop codon (p.G386Rfs*60). This alteration is expected to result in loss of function by premature protein truncation or nonsense-mediated mRNA decay. As such, this alteration is interpreted as a disease-causing mutation.

NM_001370259.2(MEN1):c.1154_1155dup (p.Gly386fs)

Gene: MEN1 (menin 1; minus strand). Cytogenetic location: 11q13.1.
Variant type: Duplication.
Coding change: c.1154_1155dup on transcript NM_001370259.2 (MANE Select); coding-DNA positions 1154 to 1155, 2 bases duplicated (CG; older notation c.1154_1155dupCG).
Protein change: p.Gly386fs; shifts the reading frame from glycine 386.
Molecular consequence: frameshift variant.
Genome position (GRCh38, 1-based): chr11:64,805,665-64,805,666, CG duplicated on the plus strand (CG on the coding strand, the reverse complement: MEN1 is on the minus strand); duplicating any 2 consecutive bases within chr11:64,805,665-64,805,667 gives the same sequence; the c. name uses the placement nearest the transcript's 3' end. VCF-style (leftmost placement, unchanged base first): chr11-64805664-C-CCG. GRCh37 (hg19) VCF-style: chr11-64573136-C-CCG.
Other names: c.1169_1170dup, p.Gly391fs (NM_000244.4, NM_130800.3, NM_130801.3 and 3 more transcripts); c.1280_1281dup, p.Gly428fs (NM_001370251.2); c.1154_1155dup, p.Gly386fs (NM_001370260.2, NM_001370261.2, NM_130799.3); c.1049_1050dup, p.Gly351fs (NM_001370262.2, NM_001370263.2); c.1154_1155dupCG (NM_130799.2); short protein forms G386fs, G428fs, G351fs, G391fs.
Identifiers: ClinVar variation 818434 (VCV000818434.5), dbSNP rs1592640081, ClinGen allele CA915948174.